The following is an entry in ClinVar:

NM_003151.4(STAT4):c.1876G>C (p.Glu626Gln)

Gene: STAT4 (signal transducer and activator of transcription 4; minus strand). Cytogenetic location: 2q32.2.
Variant type: single nucleotide variant.
Coding change: c.1876G>C on transcript NM_003151.4 (MANE Select); coding-DNA position 1876, G replaced by C.
Protein change: p.Glu626Gln; replaces glutamic acid 626 with glutamine.
Molecular consequence: missense variant.
Genome position (GRCh38, 1-based): chr2:191,033,126, C>G on the plus strand (G>C on the coding strand, the complement: STAT4 is on the minus strand). VCF-style: chr2-191033126-C-G. GRCh37 (hg19) VCF-style: chr2-191897852-C-G.
Other names: c.1876G>C, p.Glu626Gln (NM_001243835.2); short protein forms E626Q.
Identifiers: ClinVar variation 2831545 (VCV002831545.3), dbSNP rs1212691239, ClinGen allele CA349907605.

ClinVar aggregate classification (germline): Uncertain significance (1 of 4 stars; one submission).

gnomAD v4.1: 1 of 1,613,740 alleles (0.000062%); highest among the groups gnomAD compares: Admixed American, 0.0017%; no homozygotes.

Submission:

Labcorp Genetics (formerly Invitae), Labcorp
Classification: Uncertain significance. Last evaluated: 2023-01-24. Review status: criteria provided, single submitter. Criteria: Invitae Variant Classification Sherloc (09022015). Collection method: clinical testing. Allele origin: germline.
Comment: In summary, the available evidence is currently insufficient to determine the role of this variant in disease. Therefore, it has been classified as a Variant of Uncertain Significance. Advanced modeling of protein sequence and biophysical properties (such as structural, functional, and spatial information, amino acid conservation, physicochemical variation, residue mobility, and thermodynamic stability) performed at Invitae indicates that this missense variant is not expected to disrupt STAT4 protein function. This variant has not been reported in the literature in individuals affected with STAT4-related conditions. This variant is present in population databases (no rsID available, gnomAD 0.003%). This sequence change replaces glutamic acid, which is acidic and polar, with glutamine, which is neutral and polar, at codon 626 of the STAT4 protein (p.Glu626Gln).